The following is an entry in ClinVar:

NM_001174150.2(ARL13B):c.995A>G (p.Asp332Gly)

Gene: ARL13B (ARF like GTPase 13B; plus strand). Cytogenetic location: 3q11.2.
Variant type: single nucleotide variant.
Coding change: c.995A>G on transcript NM_001174150.2 (MANE Select); coding-DNA position 995, A replaced by G.
Protein change: p.Asp332Gly; replaces aspartic acid 332 with glycine.
Molecular consequence: missense variant. On other transcripts: non-coding transcript variant (2).
Genome position (GRCh38, 1-based): chr3:94,043,211, A>G. VCF-style: chr3-94043211-A-G. GRCh37 (hg19) VCF-style: chr3-93762055-A-G.
Other names: c.686A>G, p.Asp229Gly (NM_001174151.2); c.950A>G, p.Asp317Gly (NM_001321328.2); c.674A>G, p.Asp225Gly (NM_144996.4); c.995A>G, p.Asp332Gly (NM_182896.3); c.995A>G (NM_182896.2); short protein forms D225G, D229G, D317G, D332G.
Identifiers: ClinVar variation 1052811 (VCV001052811.5), dbSNP rs1224858871, ClinGen allele CA353679259.

ClinVar aggregate classification (germline): Uncertain significance. Review status: criteria provided, multiple submitters, no conflicts (2 of 4 stars). 2 submissions from 2 submitters: Uncertain significance (2). Last evaluated 2025-04-01.

Conditions:
Inborn genetic diseases. Identifiers: MedGen C0950123, MeSH D030342.
Joubert syndrome 8 (JBTS8). Identifiers: Orphanet 475, MedGen C2676771, MONDO:0012855, OMIM 612291.

Allele frequency attached by ClinVar (database versions not stated): gnomAD exomes below 0.00001 and 0.00001; TOPMed below 0.00001; gnomAD 0.00001.
gnomAD v4.1: 14 of 1,613,494 alleles (0.00087%); highest among the groups gnomAD compares: East Asian, 0.0022%; no homozygotes.

Submissions (2):

Ambry Genetics
Classification: Uncertain significance for Inborn genetic diseases. Last evaluated: 2025-04-01. Review status: criteria provided, single submitter. Criteria: Ambry Variant Classification Scheme 2023. Collection method: clinical testing. Allele origin: germline.

Labcorp Genetics (formerly Invitae), Labcorp
Classification: Uncertain significance for Joubert syndrome 8. Last evaluated: 2024-12-16. Review status: criteria provided, single submitter. Criteria: Invitae Variant Classification Sherloc (09022015). Collection method: clinical testing. Allele origin: germline.
Comment: This sequence change replaces aspartic acid, which is acidic and polar, with glycine, which is neutral and non-polar, at codon 332 of the ARL13B protein (p.Asp332Gly). This variant is present in population databases (no rsID available, gnomAD 0.0009%). This variant has not been reported in the literature in individuals affected with ARL13B-related conditions. ClinVar contains an entry for this variant (Variation ID: 1052811). Invitae Evidence Modeling of protein sequence and biophysical properties (such as structural, functional, and spatial information, amino acid conservation, physicochemical variation, residue mobility, and thermodynamic stability) indicates that this missense variant is not expected to disrupt ARL13B protein function with a negative predictive value of 80%. In summary, the available evidence is currently insufficient to determine the role of this variant in disease. Therefore, it has been classified as a Variant of Uncertain Significance.